The following is an entry in ClinVar:

ClinVar aggregate classification (germline): Uncertain significance (1 of 4 stars; one submission).

Submission:

Ambry Genetics
Classification: Uncertain significance. Last evaluated: 2025-01-21. Review status: criteria provided, single submitter. Criteria: Ambry Variant Classification Scheme 2023. Collection method: clinical testing. Allele origin: germline.
Comment: The p.S1306C variant (also known as c.3917C>G), located in coding exon 14 of the CDK12 gene, results from a C to G substitution at nucleotide position 3917. The serine at codon 1306 is replaced by cysteine, an amino acid with dissimilar properties. This amino acid position is conserved. In addition, the in silico prediction for this alteration is inconclusive. Based on the available evidence, the clinical significance of this variant remains unclear.

NM_016507.4(CDK12):c.3917C>G (p.Ser1306Cys)

Gene: CDK12 (cyclin dependent kinase 12; plus strand). Cytogenetic location: 17q12.
Variant type: single nucleotide variant.
Coding change: c.3917C>G on transcript NM_016507.4 (MANE Select); coding-DNA position 3917, C replaced by G.
Protein change: p.Ser1306Cys; replaces serine 1306 with cysteine.
Molecular consequence: missense variant.
Genome position (GRCh38, 1-based): chr17:39,530,760, C>G. VCF-style: chr17-39530760-C-G. GRCh37 (hg19) VCF-style: chr17-37687013-C-G.
Other names: c.3890C>G, p.Ser1297Cys (NM_015083.4); short protein forms S1306C, S1297C.
Identifiers: ClinVar variation 3830549 (VCV003830549.1).